The following is an entry in ClinVar:

ClinVar aggregate classification (germline): Pathogenic (1 of 4 stars; one submission).

Conditions:
Familial intrahepatic cholestasis. Identifiers: Orphanet 284385, MedGen CN296401, MONDO:0017290.

Submission:

Genomenon, Inc
Classification: Pathogenic for Familial intrahepatic cholestasis. Last evaluated: 2026-04-14. Review status: criteria provided, single submitter. Criteria: Genomenon Sequence Variant Interpretation Standards - Updated. Collection method: curation. Allele origin: germline. Affected: yes.
Comment: ABCB11 p.Glu96Ter (c.286G>T) is a nonsense variant that introduces a premature stop codon at amino acid position 96, creating a truncated protein that is predicted to undergo nonsense-mediated mRNA decay. This variant has been observed in at least one proband with an ABCB11-related disorder (PMID:28733223). It is absent or not present at a significant frequency in gnomAD. In conclusion, we classify ABCB11 p.Glu96Ter (c.286G>T) as a pathogenic variant.

Literature cited by the submitters: PubMed 28733223.

NM_003742.4(ABCB11):c.286G>T (p.Glu96Ter)

Gene: ABCB11 (ATP binding cassette subfamily B member 11; minus strand). Cytogenetic location: 2q31.1.
Variant type: single nucleotide variant.
Coding change: c.286G>T on transcript NM_003742.4 (MANE Select); coding-DNA position 286, G replaced by T.
Protein change: p.Glu96Ter; replaces glutamic acid 96 with a stop codon.
Molecular consequence: nonsense.
Genome position (GRCh38, 1-based): chr2:169,013,375, C>A on the plus strand (G>T on the coding strand, the complement: ABCB11 is on the minus strand). VCF-style: chr2-169013375-C-A. GRCh37 (hg19) VCF-style: chr2-169869885-C-A.
Other names: short protein forms E96*.
Identifiers: ClinVar variation 4845991 (VCV004845991.1).